The following is an entry in ClinVar:

ClinVar aggregate classification (germline): Uncertain significance. Review status: criteria provided, multiple submitters, no conflicts (2 of 4 stars). 4 submissions from 4 submitters: Uncertain significance (3). 1 of the submissions does not count toward it. Last evaluated 2025-11-18.

Conditions:
Retinal dystrophy. Also called: Inherited retinal dystrophy. Identifiers: Orphanet 71862, MedGen C0854723, MeSH D058499, MONDO:0019118, HP:0000556.
RAX2-related disorder. Also called: RAX2-related condition; RAX2-related disorders.

Allele frequency attached by ClinVar (database versions not stated): gnomAD exomes below 0.00001; gnomAD 0.00001; TOPMed 0.00001.

Submissions (4):

PreventionGenetics, part of Exact Sciences
Classification: Uncertain significance for RAX2-related condition. Last evaluated: 2025-11-18. Review status: criteria provided, single submitter. Criteria: ACMG Guidelines, 2015. Collection method: clinical testing. Allele origin: germline.
Comment: The RAX2 c.247C>T variant is predicted to result in the amino acid substitution p.Arg83Cys. This variant has been reported in the homozygous and compound heterozygous states in individuals with retinal disease (Table S1, Lin et al. 2024. PubMed ID: 38219857). This variant is predicted damaging to the encoded protein (Liu et al. 2016. PMID:26555599). This variant is present in 0.0065% of alleles in individuals of European (Non-Finnish) descent in gnomAD. Although we suspect that this variant may be pathogenic for autosomal recessive disease, at this time, the clinical significance of this variant is uncertain due to the absence of conclusive functional and genetic evidence.

Labcorp Genetics (formerly Invitae), Labcorp
Classification: Uncertain significance. Last evaluated: 2024-06-05. Review status: criteria provided, single submitter. Criteria: Invitae Variant Classification Sherloc (09022015). Collection method: clinical testing. Allele origin: germline.
Comment: This sequence change replaces arginine, which is basic and polar, with cysteine, which is neutral and slightly polar, at codon 83 of the RAX2 protein (p.Arg83Cys). This variant is present in population databases (no rsID available, gnomAD 0.007%). This variant has not been reported in the literature in individuals affected with RAX2-related conditions. ClinVar contains an entry for this variant (Variation ID: 1919800). An algorithm developed to predict the effect of missense changes on protein structure and function (PolyPhen-2) suggests that this variant is likely to be disruptive. In summary, the available evidence is currently insufficient to determine the role of this variant in disease. Therefore, it has been classified as a Variant of Uncertain Significance.

Blueprint Genetics
Classification: Uncertain significance. Last evaluated: 2023-12-28. Review status: criteria provided, single submitter. Criteria: ACMG Guidelines, 2015. Collection method: clinical testing. Allele origin: germline.

Institute of Human Genetics, Univ. Regensburg, Univ. Regensburg
Classification: Uncertain significance for Retinal dystrophy. Last evaluated: 2017-01-01. Review status: no assertion criteria provided. Criteria: ACMG Guidelines, 2015. Collection method: clinical testing. Allele origin: germline. Affected: yes. Not counted in ClinVar's aggregate classification.

NM_001319074.4(RAX2):c.247C>T (p.Arg83Cys)

Gene: RAX2 (retina and anterior neural fold homeobox 2; minus strand). Cytogenetic location: 19p13.3.
Variant type: single nucleotide variant.
Coding change: c.247C>T on transcript NM_001319074.4 (MANE Select); coding-DNA position 247, C replaced by T.
Protein change: p.Arg83Cys; replaces arginine 83 with cysteine.
Molecular consequence: missense variant.
Genome position (GRCh38, 1-based): chr19:3,770,929, G>A on the plus strand (C>T on the coding strand, the complement: RAX2 is on the minus strand). VCF-style: chr19-3770929-G-A. GRCh37 (hg19) VCF-style: chr19-3770927-G-A.
Other names: c.247C>T (NM_032753.3); c.247C>T, p.Arg83Cys (NM_032753.4); short protein forms R83C.
Identifiers: ClinVar variation 1919800 (VCV001919800.8), dbSNP rs1407392654, ClinGen allele CA403375084.